The following is an entry in ClinVar:

NM_001048174.2(MUTYH):c.47C>T (p.Ala16Val)

Gene: MUTYH (mutY DNA glycosylase; minus strand). Cytogenetic location: 1p34.1.
Variant type: single nucleotide variant.
Coding change: c.47C>T on transcript NM_001048174.2 (MANE Select); coding-DNA position 47, C replaced by T.
Protein change: p.Ala16Val; replaces alanine 16 with valine.
Molecular consequence: missense variant. On other transcripts: 5 prime UTR variant (4), non-coding transcript variant (2).
Genome position (GRCh38, 1-based): chr1:45,334,459, G>A on the plus strand (C>T on the coding strand, the complement: MUTYH is on the minus strand). VCF-style: chr1-45334459-G-A. GRCh37 (hg19) VCF-style: chr1-45800131-G-A.
Other names: c.47C>T, p.Ala16Val (NM_001048171.2, NM_001048172.2, NM_001048173.2 and 2 more transcripts); c.89C>T, p.Ala30Val (NM_001128425.2, NM_001293190.2, NM_012222.3); c.-166C>T (NM_001293192.2, NM_001293196.2); c.-225C>T (NM_001350650.2); c.-161C>T (NM_001350651.2); short protein forms A16V, A30V.
Identifiers: ClinVar variation 662091 (VCV000662091.9), dbSNP rs1570465480, ClinGen allele CA340137147.

ClinVar aggregate classification (germline): Uncertain significance. Review status: criteria provided, multiple submitters, no conflicts (2 of 4 stars). 2 submissions from 2 submitters: Uncertain significance (2). Last evaluated 2025-12-16.

Conditions:
Familial adenomatous polyposis 2. Also called: COLORECTAL ADENOMATOUS POLYPOSIS, AUTOSOMAL RECESSIVE; ADENOMAS, MULTIPLE COLORECTAL, AUTOSOMAL RECESSIVE; MYH-associated polyposis; MUTYH Polyposis; Adenomas, multiple colorectal; MUTYH-associated polyposis. Identifiers: Orphanet 220460, Orphanet 247798, MedGen C3272841, MONDO:0012041, OMIM 608456.
Hereditary cancer-predisposing syndrome. Also called: Tumor predisposition; Neoplastic Syndromes, Hereditary; Hereditary Cancer Syndrome; Hereditary neoplastic syndrome. Identifiers: Orphanet 140162, MedGen C0027672, MeSH D009386, MONDO:0015356.

Submissions (2):

Labcorp Genetics (formerly Invitae), Labcorp
Classification: Uncertain significance for Familial adenomatous polyposis 2. Last evaluated: 2025-12-16. Review status: criteria provided, single submitter. Criteria: Invitae Variant Classification Sherloc (09022015). Collection method: clinical testing. Allele origin: germline.
Comment: This sequence change replaces alanine, which is neutral and non-polar, with valine, which is neutral and non-polar, at codon 30 of the MUTYH protein (p.Ala30Val). This variant is not present in population databases (gnomAD no frequency). This variant has not been reported in the literature in individuals affected with MUTYH-related conditions. ClinVar contains an entry for this variant (Variation ID: 662091). An algorithm developed to predict the effect of missense changes on protein structure and function outputs the following: PolyPhen-2: "Benign". The valine amino acid residue is found in multiple mammalian species, which suggests that this missense change does not adversely affect protein function. In summary, the available evidence is currently insufficient to determine the role of this variant in disease. Therefore, it has been classified as a Variant of Uncertain Significance.

Ambry Genetics
Classification: Uncertain significance for Hereditary cancer-predisposing syndrome. Last evaluated: 2025-08-27. Review status: criteria provided, single submitter. Criteria: Ambry Variant Classification Scheme 2023. Collection method: clinical testing. Allele origin: germline.
Comment: The p.A30V variant (also known as c.89C>T), located in coding exon 2 of the MUTYH gene, results from a C to T substitution at nucleotide position 89. The alanine at codon 30 is replaced by valine, an amino acid with similar properties. This amino acid position is conserved. In addition, this alteration is predicted to be tolerated by in silico analysis. Based on the available evidence, the clinical significance of this variant remains unclear.